The following is an entry in ClinVar:

NM_201253.3(CRB1):c.862T>C (p.Cys288Arg)

Gene: CRB1 (crumbs cell polarity complex component 1; plus strand). Cytogenetic location: 1q31.3.
Variant type: single nucleotide variant.
Coding change: c.862T>C on transcript NM_201253.3 (MANE Select); coding-DNA position 862, T replaced by C.
Protein change: p.Cys288Arg; replaces cysteine 288 with arginine.
Molecular consequence: missense variant. On other transcripts: non-coding transcript variant (2), intron variant (1).
Genome position (GRCh38, 1-based): chr1:197,347,353, T>C. VCF-style: chr1-197347353-T-C. GRCh37 (hg19) VCF-style: chr1-197316483-T-C.
Other names: c.655T>C, p.Cys219Arg (NM_001257965.2); c.862T>C, p.Cys288Arg (NM_001257966.2); c.653-9478T>C (NM_001193640.2); short protein forms C219R, C288R.
Identifiers: ClinVar variation 1213985 (VCV001213985.9), dbSNP rs1571877872, ClinGen allele CA344084000.
Genomic context (GRCh38, chr1:197,347,353, plus strand): 5'-TCTCAATATGACTAAGAGTTGACATGAAAATTTCATTTACTTTCCAGATATAGCTGTAAC[T>C]GCACGGGTAGTGGATTCACAGGGACACACTGTGAGACCTTGATGCCTCTTTGTTGGTCAA-3'
Protein context (NP_957705.1, residues 278-298): VDGENRYSCN[Cys288Arg]TGSGFTGTHC

ClinVar aggregate classification (germline): Uncertain significance. Review status: criteria provided, multiple submitters, no conflicts (2 of 4 stars). 5 submissions from 3 submitters: Uncertain significance (5). Last evaluated 2023-04-11.

Conditions:
Leber congenital amaurosis 8 (LCA8). Identifiers: Orphanet 65, MedGen C3151202, MONDO:0013453, OMIM 613835.
Retinitis pigmentosa 12 (RP12). Also called: RP WITH OR WITHOUT PPRPE; RP WITH OR WITHOUT PRESERVED PARAARTERIOLE RETINAL PIGMENT EPITHELIUM; RETINITIS PIGMENTOSA WITH OR WITHOUT PARAARTERIOLAR PRESERVATION OF RETINAL PIGMENT EPITHELIUM. Identifiers: Orphanet 791, MedGen C1838647, MONDO:0010818, OMIM 600105.
Pigmented paravenous retinochoroidal atrophy. Identifiers: Orphanet 251295, MedGen C1868310, MONDO:0008246, OMIM 172870.

Submissions (5):

Genome-Nilou Lab
Classification: Uncertain significance for Leber congenital amaurosis 8. Last evaluated: 2023-04-11. Review status: criteria provided, single submitter. Criteria: ACMG Guidelines, 2015. Collection method: clinical testing. Allele origin: germline. Affected: no.

Genome-Nilou Lab
Classification: Uncertain significance for Pigmented paravenous retinochoroidal atrophy. Last evaluated: 2023-04-11. Review status: criteria provided, single submitter. Criteria: ACMG Guidelines, 2015. Collection method: clinical testing. Allele origin: germline. Affected: no.

Genome-Nilou Lab
Classification: Uncertain significance for Retinitis pigmentosa 12. Last evaluated: 2023-04-11. Review status: criteria provided, single submitter. Criteria: ACMG Guidelines, 2015. Collection method: clinical testing. Allele origin: germline. Affected: no.

Labcorp Genetics (formerly Invitae), Labcorp
Classification: Uncertain significance for Leber congenital amaurosis 8; Retinitis pigmentosa 12. Last evaluated: 2022-08-10. Review status: criteria provided, single submitter. Criteria: Invitae Variant Classification Sherloc (09022015). Collection method: clinical testing. Allele origin: germline.
Comment: In summary, the available evidence is currently insufficient to determine the role of this variant in disease. Therefore, it has been classified as a Variant of Uncertain Significance. Advanced modeling of protein sequence and biophysical properties (such as structural, functional, and spatial information, amino acid conservation, physicochemical variation, residue mobility, and thermodynamic stability) performed at Invitae indicates that this missense variant is expected to disrupt CRB1 protein function. ClinVar contains an entry for this variant (Variation ID: 1213985). This missense change has been observed in individual(s) with retinitis pigmentosa (Invitae). This variant is not present in population databases (gnomAD no frequency). This sequence change replaces cysteine, which is neutral and slightly polar, with arginine, which is basic and polar, at codon 288 of the CRB1 protein (p.Cys288Arg).

DBGen Ocular Genomics
Classification: Uncertain significance for Retinitis pigmentosa 12. Last evaluated: 2021-06-07. Review status: criteria provided, single submitter. Criteria: ACMG Guidelines, 2015. Collection method: clinical testing. Allele origin: germline. Affected: yes. Observed: 1 variant allele.